The following is an entry in ClinVar:

ClinVar aggregate classification (germline): Pathogenic (1 of 4 stars; one submission).

Conditions:
Dilated cardiomyopathy 1J (CMD1J). Also called: CARDIOMYOPATHY, DILATED, WITH SENSORINEURAL HEARING LOSS, AUTOSOMAL DOMINANT. Identifiers: Orphanet 217622, MedGen C1854368, MONDO:0011541, OMIM 605362.

Allele frequency attached by ClinVar (database versions not stated): gnomAD exomes below 0.00001; TOPMed below 0.00001.
gnomAD v4.1: 1 of 1,610,712 alleles (0.000062%); highest among the groups gnomAD compares: South Asian, 0.0011%; no homozygotes.

Submission:

Labcorp Genetics (formerly Invitae), Labcorp
Classification: Pathogenic for Dilated cardiomyopathy 1J. Last evaluated: 2022-05-21. Review status: criteria provided, single submitter. Criteria: Invitae Variant Classification Sherloc (09022015). Collection method: clinical testing. Allele origin: germline.
Comment: This sequence change creates a premature translational stop signal (p.Gln23*) in the EYA4 gene. It is expected to result in an absent or disrupted protein product. Loss-of-function variants in EYA4 are known to be pathogenic (PMID: 11159937, 25781927, 25963406). This variant is present in population databases (no rsID available, gnomAD 0.003%). This variant has not been reported in the literature in individuals affected with EYA4-related conditions. Algorithms developed to predict the effect of sequence changes on RNA splicing suggest that this variant may disrupt the consensus splice site. For these reasons, this variant has been classified as Pathogenic.

Literature cited by the submitters: PubMed 11159937; PubMed 25781927; PubMed 25963406.

NM_004100.5(EYA4):c.67C>T (p.Gln23Ter)

Gene: EYA4 (EYA transcriptional coactivator and phosphatase 4; plus strand). Cytogenetic location: 6q23.2.
Variant type: single nucleotide variant.
Coding change: c.67C>T on transcript NM_004100.5 (MANE Select); coding-DNA position 67, C replaced by T.
Protein change: p.Gln23Ter; replaces glutamine 23 with a stop codon.
Molecular consequence: nonsense.
Genome position (GRCh38, 1-based): chr6:133,382,425, C>T. VCF-style: chr6-133382425-C-T. GRCh37 (hg19) VCF-style: chr6-133703563-C-T.
Other names: c.67C>T, p.Gln23Ter (NM_001301012.2, NM_001301013.2, NM_001370458.1 and 3 more transcripts); short protein forms Q23*.
Identifiers: ClinVar variation 1419206 (VCV001419206.6), dbSNP rs1293420539, ClinGen allele CA365837848.